The following is an entry in ClinVar:

NM_006403.4(NEDD9):c.2037C>T (p.Pro679=)

Genes: NEDD9 (neural precursor cell expressed, developmentally down-regulated 9; minus strand), LOC126859587 (CDK7 strongly-dependent group 2 enhancer GRCh37_chr6:11185257-11186456; plus strand). Cytogenetic location: 6p24.2.
Variant type: single nucleotide variant.
Coding change: c.2037C>T on transcript NM_006403.4 (MANE Select); coding-DNA position 2037, C replaced by T.
Protein change: p.Pro679=; no amino-acid change (proline 679 retained).
Molecular consequence: synonymous variant. On other transcripts: non-coding transcript variant (1).
Genome position (GRCh38, 1-based): chr6:11,185,630, G>A on the plus strand (C>T on the coding strand, the complement: NEDD9 is on the minus strand). VCF-style: chr6-11185630-G-A. GRCh37 (hg19) VCF-style: chr6-11185863-G-A.
Other names: c.2037C>T, p.Pro679= (NM_001142393.2); c.1590C>T, p.Pro530= (NM_001271033.2).
Identifiers: ClinVar variation 2656226 (VCV002656226.24), dbSNP rs144637323, ClinGen allele CA3635904.

ClinVar aggregate classification (germline): Likely benign (1 of 4 stars; one submission).

Allele frequency attached by ClinVar (database versions not stated): 1000 Genomes Project 0.00020; 1000 Genomes Project 30x 0.00031; gnomAD 0.00052; ESP Exome Variant Server 0.00054; ExAC 0.00064; TOPMed 0.00067.
gnomAD v4.1: 683 of 1,614,180 alleles (0.042%); highest among the groups gnomAD compares: Middle Eastern, 0.2%; 3 homozygotes.

Submission:

CeGaT Center for Human Genetics Tuebingen
Classification: Likely benign. Last evaluated: 2022-05-01. Review status: criteria provided, single submitter. Criteria: CeGaT Center For Human Genetics Tuebingen Variant Classification Criteria Version 2. Collection method: clinical testing. Allele origin: germline. Affected: yes. Observed: 1 variant allele.
Comment: NEDD9: BP4, BP7